The following is an entry in ClinVar:

ClinVar aggregate classification (germline): Likely benign. Review status: criteria provided, single submitter (1 of 4 stars). 2 submissions from 2 submitters: Likely benign (1). 1 of the submissions does not count toward it. Last evaluated 2023-09-28.

Conditions:
SCN7A-related disorder. Also called: SCN7A-related condition.

Allele frequency attached by ClinVar (database versions not stated): 1000 Genomes Project 0.00100; 1000 Genomes Project 30x 0.00109; ExAC 0.00154; gnomAD exomes 0.00157; TOPMed 0.00162; gnomAD 0.00176 and 0.00178; ESP Exome Variant Server 0.00200.
gnomAD v4.1: 4,049 of 1,612,850 alleles (0.25%); highest among the groups gnomAD compares: Non-Finnish European, 0.3%; 4 homozygotes.

Submissions (2):

Labcorp Genetics (formerly Invitae), Labcorp
Classification: Likely benign. Last evaluated: 2023-09-28. Review status: criteria provided, single submitter. Criteria: Invitae Variant Classification Sherloc (09022015). Collection method: clinical testing. Allele origin: germline.

PreventionGenetics, part of Exact Sciences
Classification: Likely benign for SCN7A-related condition. Last evaluated: 2022-06-27. Review status: no assertion criteria provided. Collection method: clinical testing. Allele origin: germline. Not counted in ClinVar's aggregate classification.
Comment: This variant is classified as likely benign based on ACMG/AMP sequence variant interpretation guidelines (Richards et al. 2015 PMID: 25741868, with internal and published modifications).

NM_002976.4(SCN7A):c.4865G>A (p.Arg1622Gln)

Gene: SCN7A (sodium voltage-gated channel alpha subunit 7; minus strand). Cytogenetic location: 2q24.3.
Variant type: single nucleotide variant.
Coding change: c.4865G>A on transcript NM_002976.4 (MANE Select); coding-DNA position 4865, G replaced by A.
Protein change: p.Arg1622Gln; replaces arginine 1622 with glutamine.
Molecular consequence: missense variant. On other transcripts: non-coding transcript variant (1).
Genome position (GRCh38, 1-based): chr2:166,405,764, C>T on the plus strand (G>A on the coding strand, the complement: SCN7A is on the minus strand). VCF-style: chr2-166405764-C-T. GRCh37 (hg19) VCF-style: chr2-167262274-C-T.
Other names: c.4865G>A (NM_002976.3); short protein forms R1622Q.
Identifiers: ClinVar variation 1136974 (VCV001136974.10), dbSNP rs188781935, ClinGen allele CA1944965.